The following is an entry in ClinVar:

NM_001256789.3(CACNA1F):c.1553A>C (p.Asn518Thr)

Gene: CACNA1F (calcium voltage-gated channel subunit alpha1 F; minus strand). Cytogenetic location: Xp11.23.
Variant type: single nucleotide variant.
Coding change: c.1553A>C on transcript NM_001256789.3 (MANE Select); coding-DNA position 1553, A replaced by C.
Protein change: p.Asn518Thr; replaces asparagine 518 with threonine.
Molecular consequence: missense variant.
Genome position (GRCh38, 1-based): chrX:49,226,007, T>G on the plus strand (A>C on the coding strand, the complement: CACNA1F is on the minus strand). VCF-style: chrX-49226007-T-G. GRCh37 (hg19) VCF-style: chrX-49082469-T-G.
Other names: c.1391A>C, p.Asn464Thr (NM_001256790.3); c.1586A>C, p.Asn529Thr (NM_005183.4); short protein forms N464T, N529T, N518T.
Identifiers: ClinVar variation 4740848 (VCV004740848.1).

ClinVar aggregate classification (germline): Uncertain significance (1 of 4 stars; one submission).

Submission:

Labcorp Genetics (formerly Invitae), Labcorp
Classification: Uncertain significance. Last evaluated: 2025-05-04. Review status: criteria provided, single submitter. Criteria: Invitae Variant Classification Sherloc (09022015). Collection method: clinical testing. Allele origin: germline.
Comment: This sequence change replaces asparagine, which is neutral and polar, with threonine, which is neutral and polar, at codon 529 of the CACNA1F protein (p.Asn529Thr). This variant is not present in population databases (gnomAD no frequency). This variant has not been reported in the literature in individuals affected with CACNA1F-related conditions. Invitae Evidence Modeling of protein sequence and biophysical properties (such as structural, functional, and spatial information, amino acid conservation, physicochemical variation, residue mobility, and thermodynamic stability) indicates that this missense variant is not expected to disrupt CACNA1F protein function with a negative predictive value of 80%. In summary, the available evidence is currently insufficient to determine the role of this variant in disease. Therefore, it has been classified as a Variant of Uncertain Significance.